The following is an entry in ClinVar:

ClinVar aggregate classification (germline): Likely benign. Review status: criteria provided, multiple submitters, no conflicts (2 of 4 stars). 4 submissions from 4 submitters: Likely benign (3). 1 of the submissions does not count toward it. Last evaluated 2025-12-22.

Conditions:
CNTN1-related disorder. Also called: CNTN1-related condition.
Compton-North congenital myopathy (CMYO12). Identifiers: Orphanet 210163, MedGen C2675527, MONDO:0012929, OMIM 612540.

Allele frequency attached by ClinVar (database versions not stated): gnomAD exomes 0.00009 and 0.00023; ExAC 0.00026; gnomAD 0.00072 and 0.00078; 1000 Genomes Project 0.00080; TOPMed 0.00081; ESP Exome Variant Server 0.00085; 1000 Genomes Project 30x 0.00094.
gnomAD v4.1: 251 of 1,525,458 alleles (0.016%); highest among the groups gnomAD compares: African/African-American, 0.26%; 1 homozygote.

Submissions (4):

Labcorp Genetics (formerly Invitae), Labcorp
Classification: Likely benign for Compton-North congenital myopathy. Last evaluated: 2025-12-22. Review status: criteria provided, single submitter. Criteria: Invitae Variant Classification Sherloc (09022015). Collection method: clinical testing. Allele origin: germline.

Blueprint Genetics
Classification: Likely benign. Last evaluated: 2024-05-31. Review status: criteria provided, single submitter. Criteria: ACMG Guidelines, 2015. Collection method: clinical testing. Allele origin: germline.

GeneDx
Classification: Likely benign. Last evaluated: 2021-06-03. Review status: criteria provided, single submitter. Criteria: GeneDx Variant Classification Process June 2021. Collection method: clinical testing. Allele origin: germline. Affected: yes.

PreventionGenetics, part of Exact Sciences
Classification: Likely benign for CNTN1-related condition. Last evaluated: 2020-03-19. Review status: no assertion criteria provided. Collection method: clinical testing. Allele origin: germline. Not counted in ClinVar's aggregate classification.
Comment: This variant is classified as likely benign based on ACMG/AMP sequence variant interpretation guidelines (Richards et al. 2015 PMID: 25741868, with internal and published modifications).

NM_001843.4(CNTN1):c.2823+5A>G

Gene: CNTN1 (contactin 1; plus strand). Cytogenetic location: 12q12.
Variant type: single nucleotide variant.
Coding change: c.2823+5A>G on transcript NM_001843.4 (MANE Select); 5 bases into the intron after coding-DNA position 2823, A replaced by G.
Molecular consequence: intron variant.
Genome position (GRCh38, 1-based): chr12:41,027,974, A>G. VCF-style: chr12-41027974-A-G. GRCh37 (hg19) VCF-style: chr12-41421776-A-G.
Other names: c.2790+5A>G (NM_175038.2).
Identifiers: ClinVar variation 537198 (VCV000537198.18), dbSNP rs148453314, ClinGen allele CA6517240.